The following is an entry in ClinVar:

NM_170682.4(P2RX2):c.996+20del

Gene: P2RX2 (purinergic receptor P2X 2; plus strand). Cytogenetic location: 12q24.33.
Variant type: Deletion.
Coding change: c.996+20del on transcript NM_170682.4 (MANE Select); 20 bases into the intron after coding-DNA position 996, one base deleted (G; older notation c.996+20delG).
Molecular consequence: intron variant. On other transcripts: splice donor variant (1).
Genome position (GRCh38, 1-based): chr12:132,621,365, G deleted; the last of 5 consecutive G bases (chr12:132,621,361-132,621,365); deleting any one gives the same sequence. VCF-style (leftmost placement, unchanged base first): chr12-132621360-TG-T. GRCh37 (hg19) VCF-style: chr12-133197946-TG-T.
Other names: c.1015+1delG (NM_001282165.1); c.1015+1del (NM_001282165.2); c.996+20del (NM_170683.4, NM_174873.3); c.924+20del (NM_016318.4); c.894+20del (NM_001282164.2); c.780+20del (NM_012226.5); c.720+20del (NM_174872.3).
Identifiers: ClinVar variation 3020419 (VCV003020419.6), dbSNP rs758081130, ClinGen allele CA6891752.

ClinVar aggregate classification (germline): Conflicting classifications of pathogenicity. Review status: criteria provided, conflicting classifications (1 of 4 stars). 3 submissions from 3 submitters: Uncertain significance (1); Benign (1); Likely benign (1). Last evaluated 2026-04-01.

Conditions:
P2RX2-related disorder. Also called: P2RX2-related condition.

Submissions (3):

CeGaT Center for Human Genetics Tuebingen
Classification: Uncertain significance. Last evaluated: 2026-04-01. Review status: criteria provided, single submitter. Criteria: CeGaT Center For Human Genetics Tuebingen Variant Classification Criteria Version 2. Collection method: clinical testing. Allele origin: germline. Affected: yes. Observed: 1 variant allele.

Labcorp Genetics (formerly Invitae), Labcorp
Classification: Benign. Last evaluated: 2025-12-08. Review status: criteria provided, single submitter. Criteria: Invitae Variant Classification Sherloc (09022015). Collection method: clinical testing. Allele origin: germline.

PreventionGenetics, part of Exact Sciences
Classification: Likely benign for P2RX2-related condition. Last evaluated: 2025-02-12. Review status: criteria provided, single submitter. Criteria: ACMG Guidelines, 2015. Collection method: clinical testing. Allele origin: germline.
Comment: This variant is classified as likely benign based on ACMG/AMP sequence variant interpretation guidelines (Richards et al. 2015 PMID: 25741868, with internal and published modifications).